The following is an entry in ClinVar:

NM_005219.5(DIAPH1):c.3439C>G (p.Gln1147Glu)

Gene: DIAPH1 (diaphanous related formin 1; minus strand). Cytogenetic location: 5q31.3.
Variant type: single nucleotide variant.
Coding change: c.3439C>G on transcript NM_005219.5 (MANE Select); coding-DNA position 3439, C replaced by G.
Protein change: p.Gln1147Glu; replaces glutamine 1147 with glutamic acid.
Molecular consequence: missense variant.
Genome position (GRCh38, 1-based): chr5:141,526,173, G>C on the plus strand (C>G on the coding strand, the complement: DIAPH1 is on the minus strand). VCF-style: chr5-141526173-G-C. GRCh37 (hg19) VCF-style: chr5-140905740-G-C.
Other names: c.3412C>G, p.Gln1138Glu (NM_001079812.3); c.3439C>G, p.Gln1147Glu (NM_001314007.2); short protein forms Q1138E, Q1147E.
Identifiers: ClinVar variation 2001053 (VCV002001053.4), dbSNP rs747970514, ClinGen allele CA361577932.
Genomic context (GRCh38, chr5:141,526,173, plus strand): 5'-GTTTTGCTCGCCTCATCTTTTCTTCTGTCTCCCGCCGCTTCTGGTTCTCCTTGACTGCTT[G>C]CTGGGGCAGGGAAGAGGAGGAAGGAACACATGGGCATTGTATACCTACTACCAGCCAACA-3'
Protein context (NP_005210.3, residues 1137-1157): DLHNFRNMFL[Gln1147Glu]AVKENQKRRE

ClinVar aggregate classification (germline): Uncertain significance (1 of 4 stars; one submission).

Conditions:
Autosomal dominant nonsyndromic hearing loss 1. Also called: DEAFNESS, AUTOSOMAL DOMINANT 1, WITH OR WITHOUT THROMBOCYTOPENIA; KONIGSMARK SYNDROME. Identifiers: Orphanet 90635, MedGen C1852282, MONDO:0007424, OMIM 124900.
Progressive microcephaly-seizures-cortical blindness-developmental delay syndrome. Also called: Seizures, cortical blindness, and microcephaly syndrome. Identifiers: Orphanet 477814, MedGen C5567650, MONDO:0014714, OMIM 616632.

Submission:

Labcorp Genetics (formerly Invitae), Labcorp
Classification: Uncertain significance for Progressive microcephaly-seizures-cortical blindness-developmental delay syndrome; Autosomal dominant nonsyndromic hearing loss 1. Last evaluated: 2023-09-15. Review status: criteria provided, single submitter. Criteria: Invitae Variant Classification Sherloc (09022015). Collection method: clinical testing. Allele origin: germline.
Comment: This sequence change replaces glutamine, which is neutral and polar, with glutamic acid, which is acidic and polar, at codon 1147 of the DIAPH1 protein (p.Gln1147Glu). This variant is not present in population databases (gnomAD no frequency). This variant has not been reported in the literature in individuals affected with DIAPH1-related conditions. ClinVar contains an entry for this variant (Variation ID: 2001053). An algorithm developed to predict the effect of missense changes on protein structure and function (PolyPhen-2) suggests that this variant is likely to be tolerated. In summary, the available evidence is currently insufficient to determine the role of this variant in disease. Therefore, it has been classified as a Variant of Uncertain Significance.